The following is an entry in ClinVar:

NM_000154.2(GALK1):c.1101C>T (p.His367=)

Gene: GALK1 (galactokinase 1; minus strand). Cytogenetic location: 17q25.1.
Variant type: single nucleotide variant.
Coding change: c.1101C>T on transcript NM_000154.2 (MANE Select); coding-DNA position 1101, C replaced by T.
Protein change: p.His367=; no amino-acid change (histidine 367 retained).
Molecular consequence: synonymous variant.
Genome position (GRCh38, 1-based): chr17:75,758,216, G>A on the plus strand (C>T on the coding strand, the complement: GALK1 is on the minus strand). VCF-style: chr17-75758216-G-A. GRCh37 (hg19) VCF-style: chr17-73754297-G-A.
Identifiers: ClinVar variation 797001 (VCV000797001.17), dbSNP rs1436958552, ClinGen allele CA502049253.

ClinVar aggregate classification (germline): Likely benign. Review status: criteria provided, multiple submitters, no conflicts (2 of 4 stars). 3 submissions from 3 submitters: Likely benign (3). Last evaluated 2025-12-01.

Conditions:
Deficiency of galactokinase. Also called: GALACTOSEMIA II; Galactokinase deficiency with cataracts. Identifiers: Orphanet 352, Orphanet 79237, MedGen C0268155, MONDO:0009255, OMIM 230200.

Allele frequency attached by ClinVar (database versions not stated): gnomAD exomes below 0.00001 and 0.00001; TOPMed 0.00001.
gnomAD v4.1: 11 of 1,606,526 alleles (0.00068%); highest among the groups gnomAD compares: Middle Eastern, 0.05%; no homozygotes.

Submissions (3):

CeGaT Center for Human Genetics Tuebingen
Classification: Likely benign. Last evaluated: 2025-12-01. Review status: criteria provided, single submitter. Criteria: CeGaT Center For Human Genetics Tuebingen Variant Classification Criteria Version 2. Collection method: clinical testing. Allele origin: germline. Affected: yes. Observed: 1 variant allele.
Comment: GALK1: BP4, BP7

Labcorp Genetics (formerly Invitae), Labcorp
Classification: Likely benign for Deficiency of galactokinase. Last evaluated: 2024-03-13. Review status: criteria provided, single submitter. Criteria: Invitae Variant Classification Sherloc (09022015). Collection method: clinical testing. Allele origin: germline.

Blueprint Genetics
Classification: Likely benign. Last evaluated: 2023-09-26. Review status: criteria provided, single submitter. Criteria: ACMG Guidelines, 2015. Collection method: clinical testing. Allele origin: germline.